The following is an entry in ClinVar:

NM_000179.3(MSH6):c.3122A>G (p.Asp1041Gly)

Gene: MSH6 (mutS homolog 6; plus strand). Cytogenetic location: 2p16.3.
Variant type: single nucleotide variant.
Coding change: c.3122A>G on transcript NM_000179.3 (MANE Select); coding-DNA position 3122, A replaced by G.
Protein change: p.Asp1041Gly; replaces aspartic acid 1041 with glycine.
Molecular consequence: missense variant. On other transcripts: non-coding transcript variant (5), intron variant (2).
Genome position (GRCh38, 1-based): chr2:47,801,105, A>G. VCF-style: chr2-47801105-A-G. GRCh37 (hg19) VCF-style: chr2-48028244-A-G.
Other names: c.2732A>G, p.Asp911Gly (NM_001281492.2); c.2216A>G, p.Asp739Gly (NM_001281493.2, NM_001281494.2, NM_001406811.1 and 6 more transcripts); c.3218A>G, p.Asp1073Gly (NM_001406795.1, NM_001406802.1); c.3122A>G, p.Asp1041Gly (NM_001406796.1, NM_001406798.1, NM_001406800.1 and 2 more transcripts); c.2825A>G, p.Asp942Gly (NM_001406797.1, NM_001406801.1, NM_001406805.1 and 10 more transcripts); c.2597A>G, p.Asp866Gly (NM_001406799.1, NM_001406806.1, NM_001406807.1); c.3044A>G, p.Asp1015Gly (NM_001406804.1); c.3128A>G, p.Asp1043Gly (NM_001406813.1); and 4 more; short protein forms D985G, D1015G, D1043G, D1073G, D866G, D1041G, D739G, D942G.
Identifiers: ClinVar variation 4657845 (VCV004657845.1).

ClinVar aggregate classification (germline): Uncertain significance (1 of 4 stars; one submission).

Conditions:
Hereditary cancer-predisposing syndrome. Also called: Neoplastic Syndromes, Hereditary; Tumor predisposition; Hereditary Cancer Syndrome; Hereditary neoplastic syndrome. Identifiers: Orphanet 140162, MedGen C0027672, MeSH D009386, MONDO:0015356.

gnomAD v4.1: 1 of 1,612,770 alleles (0.000062%); no homozygotes.

Submission:

Ambry Genetics
Classification: Uncertain significance for Hereditary cancer-predisposing syndrome. Last evaluated: 2025-10-22. Review status: criteria provided, single submitter. Criteria: Ambry Variant Classification Scheme 2023. Collection method: clinical testing. Allele origin: germline.
Comment: The p.D1041G variant (also known as c.3122A>G), located in coding exon 4 of the MSH6 gene, results from an A to G substitution at nucleotide position 3122. The aspartic acid at codon 1041 is replaced by glycine, an amino acid with similar properties. This amino acid position is conserved. In addition, this alteration is predicted to be deleterious by in silico analysis. Based on the available evidence, the clinical significance of this variant remains unclear.